The following is an entry in ClinVar:

ClinVar aggregate classification (germline): Uncertain significance (1 of 4 stars; one submission).

Conditions:
Long QT syndrome (LQTS). Identifiers: MedGen C0023976, MeSH D008133, MONDO:0002442. Disease mechanism: loss of function. Inheritance: Various modes of inheritance.

Allele frequency attached by ClinVar (database versions not stated): gnomAD exomes 0.00001.
gnomAD v4.1: 9 of 1,286,688 alleles (0.0007%); highest among the groups gnomAD compares: Non-Finnish European, 0.00088%; no homozygotes.

Submission:

Labcorp Genetics (formerly Invitae), Labcorp
Classification: Uncertain significance for Long QT syndrome. Last evaluated: 2022-10-18. Review status: criteria provided, single submitter. Criteria: Invitae Variant Classification Sherloc (09022015). Collection method: clinical testing. Allele origin: germline.
Comment: This sequence change replaces glycine, which is neutral and non-polar, with arginine, which is basic and polar, at codon 294 of the KCNH2 protein (p.Gly294Arg). This variant is not present in population databases (gnomAD no frequency). This variant has not been reported in the literature in individuals affected with KCNH2-related conditions. ClinVar contains an entry for this variant (Variation ID: 838034). Algorithms developed to predict the effect of missense changes on protein structure and function (SIFT, PolyPhen-2, Align-GVGD) all suggest that this variant is likely to be tolerated. In summary, the available evidence is currently insufficient to determine the role of this variant in disease. Therefore, it has been classified as a Variant of Uncertain Significance.

NM_000238.4(KCNH2):c.880G>A (p.Gly294Arg)

Gene: KCNH2 (potassium voltage-gated channel subfamily H member 2; minus strand). Cytogenetic location: 7q36.1.
Variant type: single nucleotide variant.
Coding change: c.880G>A on transcript NM_000238.4 (MANE Select); coding-DNA position 880, G replaced by A.
Protein change: p.Gly294Arg; replaces glycine 294 with arginine.
Molecular consequence: missense variant.
Genome position (GRCh38, 1-based): chr7:150,958,095, C>T on the plus strand (G>A on the coding strand, the complement: KCNH2 is on the minus strand). VCF-style: chr7-150958095-C-T. GRCh37 (hg19) VCF-style: chr7-150655183-C-T.
Other names: c.592G>A, p.Gly198Arg (NM_001406753.1, NM_001406756.1); c.703G>A, p.Gly235Arg (NM_001406755.1); c.580G>A, p.Gly194Arg (NM_001406757.1); c.880G>A, p.Gly294Arg (NM_172056.3); short protein forms G294R, G194R, G235R, G198R.
Identifiers: ClinVar variation 838034 (VCV000838034.12), dbSNP rs1801438642, ClinGen allele CA369862167.
Genomic context (GRCh38, chr7:150,958,095, plus strand): 5'-GAACGGGTCCCGCGGCGCCCTCACCGGTGCTGGCGTGGCGCGGTGGCGGGGGCAGCACCC[C>T]GGCGCGCATGGCCTCGATGTCGTCGGCCGACGAGGCGCGGCGCACGCTGGCGCAGCTTTC-3'
Protein context (NP_000229.1, residues 284-304): SADDIEAMRA[Gly294Arg]VLPPPPRHAS